The following is an entry in ClinVar:

ClinVar aggregate classification (germline): Pathogenic/Likely pathogenic. Review status: criteria provided, multiple submitters, no conflicts (2 of 4 stars). 5 submissions from 5 submitters: Pathogenic (3); Likely pathogenic (2). Last evaluated 2025-05-13.

Conditions:
POMGNT1-related disorder. Also called: POMGNT1-related condition; POMGNT1-related disorders. Identifiers: MedGen CN239299.
Muscular dystrophy-dystroglycanopathy (congenital with brain and eye anomalies), type A3. Also called: Congenital muscular dystrophy-dystroglycanopathy with brain and eye anomalies, type A3; Muscular dystrophy-dystroglycanopathy (congenital with brain and eye anomalies), type A, 3; WALKER-WARBURG SYNDROME OR MUSCLE-EYE-BRAIN DISEASE, POMGNT1-RELATED. Identifiers: MedGen C3151519, MONDO:0009667, OMIM 253280.
Autosomal recessive limb-girdle muscular dystrophy type 2O. Also called: Limb-Girdle Muscular Dystrophy Type 3C; MUSCULAR DYSTROPHY-DYSTROGLYCANOPATHY, LIMB-GIRDLE, POMGNT1-RELATED; MUSCULAR DYSTROPHY-DYSTROGLYCANOPATHY (LIMB-GIRDLE), TYPE C, 3. Identifiers: Orphanet 206564, MedGen C3150417, MONDO:0013161, OMIM 613157.
Muscular dystrophy-dystroglycanopathy (congenital with impaired intellectual development), type B, 3. Also called: Muscular dystrophy-dystroglycanopathy (congenital with intellectual disability), type B3; MUSCULAR DYSTROPHY, CONGENITAL, POMGNT1-RELATED. Identifiers: MedGen C3150412, MONDO:0013155, OMIM 613151.
Muscle eye brain disease (MEB). Also called: Santavuori congenital muscular dystrophy. Identifiers: Orphanet 588, Orphanet 899, MedGen C0457133, MONDO:0018939.
Muscular dystrophy-dystroglycanopathy. Also called: Congenital muscular dystrophy due to dystroglycanopathy. Identifiers: Orphanet 370953, MedGen C5679911, MONDO:0018276.

Allele frequency attached by ClinVar (database versions not stated): gnomAD exomes below 0.00001.
gnomAD v4.1: 3 of 1,603,116 alleles (0.00019%); highest among the groups gnomAD compares: South Asian, 0.0011%; no homozygotes.

Submissions (5):

Natera, Inc.
Classification: Pathogenic for Muscle-eye-brain disease. Last evaluated: 2025-05-13. Review status: criteria provided, single submitter. Criteria: Natera Variant Classification Schema (03/2026). Collection method: clinical testing. Allele origin: germline.
Comment: The c.511C>T variant in POMGNT1 is a nonsense variant predicted to introduce a stop codon at amino acid 171. This variant is expected to result in nonsense mediated decay, truncation, or a dysfunctional protein product. This variant is rare in the general population with a frequency below the threshold expected for the associated phenotype(s). This variant has been observed in one or more individuals affected with the associated recessive disease, as either homozygous or compound heterozygous with a second variant (PMID: 33200426, 28688748). Given the available evidence, this variant is classified as Pathogenic.

Labcorp Genetics (formerly Invitae), Labcorp
Classification: Pathogenic for Autosomal recessive limb-girdle muscular dystrophy type 2O; Muscular dystrophy-dystroglycanopathy (congenital with impaired intellectual development), type B, 3. Last evaluated: 2023-02-05. Review status: criteria provided, single submitter. Criteria: Invitae Variant Classification Sherloc (09022015). Collection method: clinical testing. Allele origin: germline.
Comment: This premature translational stop signal has been observed in individual(s) with dystroglycanopathy (PMID: 28688748). For these reasons, this variant has been classified as Pathogenic. ClinVar contains an entry for this variant (Variation ID: 648374). The frequency data for this variant in the population databases is considered unreliable, as metrics indicate poor data quality at this position in the gnomAD database. This sequence change creates a premature translational stop signal (p.Arg171*) in the POMGNT1 gene. It is expected to result in an absent or disrupted protein product. Loss-of-function variants in POMGNT1 are known to be pathogenic (PMID: 19299310, 20816175, 21447391, 26908613, 27391550).

Broad Center for Mendelian Genomics, Broad Institute of MIT and Harvard
Classification: Likely pathogenic for Muscular dystrophy-dystroglycanopathy. Last evaluated: 2023-01-24. Review status: criteria provided, single submitter. Criteria: ACMG Guidelines, 2015. Collection method: curation. Allele origin: germline. Inheritance: Autosomal recessive inheritance.
Comment: The p.Arg171Ter variant in POMGNT1 has been reported in two individuals with muscular dystrophy-dystroglycanopathy (PMID: 33200426, 28688748), and has been identified in 0.003% (1/28992) of South Asian chromosomes by the Genome Aggregation Database (gnomAD; dbSNP ID: rs1424631447). Although this variant has been seen in the general population in a heterozygous state, its frequency is low enough to be consistent with a recessive carrier frequency. This variant has also been reported in ClinVar (Variation ID#:648374) and has been interpreted as pathogenic by Invitae. This nonsense variant leads to a premature termination codon at position 171, which is predicted to lead to a truncated or absent protein. Loss of function of the POMGNT1 gene is an established disease mechanism in autosomal recessive POMGNT1-associated muscular dystrophy-dystroglycanopathy. In summary, although additional studies are required to fully establish its clinical significance, this variant is likely pathogenic for POMGNT1-associated muscular dystrophy-dystroglycanopathy. ACMG/AMP Criteria applied: PVS1, PM2 (Richards 2015).

Baylor Genetics
Classification: Pathogenic for Muscular dystrophy-dystroglycanopathy (congenital with brain and eye anomalies), type A3. Last evaluated: 2022-02-04. Review status: criteria provided, single submitter. Criteria: ACMG Guidelines, 2015. Collection method: clinical testing. Allele origin: unknown.

Blueprint Genetics
Classification: Likely pathogenic for POMGNT1-related disorders. Last evaluated: 2021-10-11. Review status: criteria provided, single submitter. Criteria: ACMG Guidelines, 2015. Collection method: clinical testing. Allele origin: germline. Affected: yes. Observed: 1 variant allele.

Literature cited by the submitters: PubMed 33200426 (cited by Natera, Inc.); PubMed 28688748 (cited by Natera, Inc. and Labcorp Genetics (formerly Invitae), Labcorp); PubMed 19299310 (cited by Labcorp Genetics (formerly Invitae), Labcorp); PubMed 20816175 (cited by Labcorp Genetics (formerly Invitae), Labcorp); PubMed 21447391 (cited by Labcorp Genetics (formerly Invitae), Labcorp); PubMed 26908613 (cited by Labcorp Genetics (formerly Invitae), Labcorp); PubMed 27391550 (cited by Labcorp Genetics (formerly Invitae), Labcorp).

NM_017739.4(POMGNT1):c.511C>T (p.Arg171Ter)

Genes: TSPAN1 (tetraspanin 1; plus strand), POMGNT1 (protein O-linked mannose N-acetylglucosaminyltransferase 1 (beta 1,2-); minus strand). Cytogenetic location: 1p34.1.
Variant type: single nucleotide variant.
Coding change: c.511C>T on transcript NM_017739.4 (MANE Select); coding-DNA position 511, C replaced by T.
Protein change: p.Arg171Ter; replaces arginine 171 with a stop codon.
Molecular consequence: nonsense.
Genome position (GRCh38, 1-based): chr1:46,195,834, G>A on the plus strand (C>T on the coding strand, the complement: POMGNT1 is on the minus strand). VCF-style: chr1-46195834-G-A. GRCh37 (hg19) VCF-style: chr1-46661506-G-A.
Other names: NM_017739.4(POMGNT1):c.511C>T; p.Arg171Ter; c.445C>T, p.Arg149Ter (NM_001290129.3); c.82C>T, p.Arg28Ter (NM_001290130.2); c.511C>T, p.Arg171Ter (NM_001410783.1, NM_001243766.2); short protein forms R149*, R171*, R28*.
Identifiers: ClinVar variation 648374 (VCV000648374.12), dbSNP rs1424631447, ClinGen allele CA340188042.